The following is an entry in ClinVar:

ClinVar aggregate classification (germline): Uncertain significance (1 of 4 stars; one submission).

Conditions:
Renal cell carcinoma. Identifiers: Orphanet 217071, MedGen C0007134, MeSH D002292, MONDO:0005086, HP:0005584.

Submission:

Labcorp Genetics (formerly Invitae), Labcorp
Classification: Uncertain significance for Renal cell carcinoma. Last evaluated: 2022-01-26. Review status: criteria provided, single submitter. Criteria: Invitae Variant Classification Sherloc (09022015). Collection method: clinical testing. Allele origin: germline.
Comment: This sequence change replaces threonine, which is neutral and polar, with isoleucine, which is neutral and non-polar, at codon 673 of the MET protein (p.Thr673Ile). This variant is not present in population databases (gnomAD no frequency). This variant has not been reported in the literature in individuals affected with MET-related conditions. Algorithms developed to predict the effect of missense changes on protein structure and function are either unavailable or do not agree on the potential impact of this missense change (SIFT: "Deleterious"; PolyPhen-2: "Probably Damaging"; Align-GVGD: "Class C0"). In summary, the available evidence is currently insufficient to determine the role of this variant in disease. Therefore, it has been classified as a Variant of Uncertain Significance.

NM_000245.4(MET):c.2018C>T (p.Thr673Ile)

Gene: MET (MET proto-oncogene, receptor tyrosine kinase; plus strand). Cytogenetic location: 7q31.2.
Variant type: single nucleotide variant.
Coding change: c.2018C>T on transcript NM_000245.4 (MANE Select); coding-DNA position 2018, C replaced by T.
Protein change: p.Thr673Ile; replaces threonine 673 with isoleucine.
Molecular consequence: missense variant.
Genome position (GRCh38, 1-based): chr7:116,757,690, C>T. VCF-style: chr7-116757690-C-T. GRCh37 (hg19) VCF-style: chr7-116397744-C-T.
Other names: c.2018C>T, p.Thr673Ile (NM_001127500.3, NM_001324401.3); c.728C>T, p.Thr243Ile (NM_001324402.2); short protein forms T673I, T243I.
Identifiers: ClinVar variation 2089970 (VCV002089970.4), dbSNP rs1401138460, ClinGen allele CA368979775.